The following is an entry in ClinVar:

NM_024408.4(NOTCH2):c.1325G>A (p.Cys442Tyr)

Gene: NOTCH2 (notch receptor 2; minus strand). Cytogenetic location: 1p12.
Variant type: single nucleotide variant.
Coding change: c.1325G>A on transcript NM_024408.4 (MANE Select); coding-DNA position 1325, G replaced by A.
Protein change: p.Cys442Tyr; replaces cysteine 442 with tyrosine.
Molecular consequence: missense variant.
Genome position (GRCh38, 1-based): chr1:119,967,561, C>T on the plus strand (G>A on the coding strand, the complement: NOTCH2 is on the minus strand). VCF-style: chr1-119967561-C-T. GRCh37 (hg19) VCF-style: chr1-120510184-C-T.
Other names: c.1325G>A, p.Cys442Tyr (NM_001200001.2); short protein forms C442Y.
Identifiers: ClinVar variation 3031174 (VCV003031174.2), dbSNP rs2526304325, ClinGen allele CA341878292.

ClinVar aggregate classification (germline): Uncertain significance (0 of 4 stars; one submission).

Conditions:
NOTCH2-related disorder. Also called: NOTCH2-related condition.

Submission:

PreventionGenetics, part of Exact Sciences
Classification: Uncertain significance for NOTCH2-related condition. Last evaluated: 2023-11-27. Review status: no assertion criteria provided. Collection method: clinical testing. Allele origin: germline.
Comment: The NOTCH2 c.1325G>A variant is predicted to result in the amino acid substitution p.Cys442Tyr. To our knowledge, this variant has not been reported in the literature or in a large population database, indicating this variant is rare. At this time, the clinical significance of this variant is uncertain due to the absence of conclusive functional and genetic evidence.